The following is an entry in ClinVar:

NM_001164508.2(NEB):c.18557del (p.His6186fs)

Gene: NEB (nebulin; minus strand). Cytogenetic location: 2q23.3.
Variant type: Deletion.
Coding change: c.18557del on transcript NM_001164508.2 (MANE Select); coding-DNA position 18557, one base deleted (A; older notation c.18557delA).
Protein change: p.His6186fs; shifts the reading frame from histidine 6186.
Molecular consequence: frameshift variant.
Genome position (GRCh38, 1-based): chr2:151,563,845, T deleted on the plus strand (A on the coding strand, the reverse complement: NEB is on the minus strand). VCF-style (leftmost placement, unchanged base first): chr2-151563844-AT-A. GRCh37 (hg19) VCF-style: chr2-152420358-AT-A.
Other names: c.18557del, p.His6186fs (NM_001164507.2, NM_001271208.2); c.13454del, p.His4485fs (NM_004543.5); short protein forms H4485fs, H6186fs.
Identifiers: ClinVar variation 5006088 (VCV005006088.2).

ClinVar aggregate classification (germline): Likely pathogenic (1 of 4 stars; one submission).

Conditions:
Arthrogryposis multiplex congenita 6. Identifiers: MedGen C5543431, MONDO:0030281, OMIM 619334.
Nemaline myopathy 2 (NEM2). Also called: Nemaline myopathy 2, autosomal recessive. Identifiers: MedGen C1850569, MONDO:0009725, OMIM 256030.

Submission:

Juno Genomics, Hangzhou Juno Genomics, Inc
Classification: Likely pathogenic for Arthrogryposis multiplex congenita 6; Nemaline myopathy 2. Review status: criteria provided, single submitter. Criteria: ACMG Guidelines, 2015. Collection method: clinical testing. Allele origin: germline.
Comment: Null variant in a gene where loss of function (LOF) is a known mechanism of disease.;Absent from controls (or at extremely low frequency if recessive) in Genome Aggregation Database.